The following is an entry in ClinVar:

NM_001354604.2(MITF):c.880+3A>G

Gene: MITF (melanocyte inducing transcription factor; plus strand). Cytogenetic location: 3p13.
Variant type: single nucleotide variant.
Coding change: c.880+3A>G on transcript NM_001354604.2 (MANE Select); 3 bases into the intron after coding-DNA position 880, A replaced by G.
Molecular consequence: intron variant.
Genome position (GRCh38, 1-based): chr3:69,949,171, A>G. VCF-style: chr3-69949171-A-G. GRCh37 (hg19) VCF-style: chr3-69998322-A-G.
Other names: c.829+3A>G (NM_001354607.2); c.724+3A>G (NM_001354608.2, NM_001184967.2); c.880+3A>G (NM_198159.3); c.877+3A>G (NM_001354605.2, NM_001354606.2, NM_006722.3); c.832+3A>G (NM_198177.3); c.559+3A>G (NM_000248.4, NM_198158.3); c.391+3A>G (NM_198178.3).
Identifiers: ClinVar variation 3755637 (VCV003755637.2).

ClinVar aggregate classification (germline): Uncertain significance (1 of 4 stars; one submission).

Conditions:
Tietz syndrome (TADS). Also called: HYPOPIGMENTATION/DEAFNESS OF TIETZ; TIETZ ALBINISM-DEAFNESS SYNDROME; ALBINISM-DEAFNESS OF TIETZ. Identifiers: Orphanet 42665, MedGen C0391816, MONDO:0007077, OMIM 103500.
Waardenburg syndrome type 2A (WS2A). Also called: WAARDENBURG SYNDROME WITHOUT DYSTOPIA CANTHORUM. Identifiers: Orphanet 3440, MedGen C1860339, MONDO:0008671, OMIM 193510.
Melanoma, cutaneous malignant, susceptibility to, 8. Also called: MELANOMA AND RENAL CELL CARCINOMA, SUSCEPTIBILITY TO; Cutaneous malignant melanoma 8. Identifiers: Orphanet 293822, MedGen C3152204, MONDO:0013759, OMIM 614456.

gnomAD v4.1: 2 of 1,595,600 alleles (0.00013%); highest among the groups gnomAD compares: Non-Finnish European, 0.000086%; no homozygotes.

Submission:

Labcorp Genetics (formerly Invitae), Labcorp
Classification: Uncertain significance for Melanoma, cutaneous malignant, susceptibility to, 8; Waardenburg syndrome type 2A; Tietz syndrome. Last evaluated: 2024-05-08. Review status: criteria provided, single submitter. Criteria: Invitae Variant Classification Sherloc (09022015). Collection method: clinical testing. Allele origin: germline.
Comment: This sequence change falls in intron 5 of the MITF gene. It does not directly change the encoded amino acid sequence of the MITF protein. It affects a nucleotide within the consensus splice site. This variant is not present in population databases (gnomAD no frequency). This variant has not been reported in the literature in individuals affected with MITF-related conditions. Variants that disrupt the consensus splice site are a relatively common cause of aberrant splicing (PMID: 17576681, 9536098). Algorithms developed to predict the effect of sequence changes on RNA splicing suggest that this variant is not likely to affect RNA splicing. In summary, the available evidence is currently insufficient to determine the role of this variant in disease. Therefore, it has been classified as a Variant of Uncertain Significance.

Literature cited by the submitters: PubMed 17576681; PubMed 9536098.